The following is an entry in ClinVar:

NM_144651.5(PXDNL):c.2382C>T (p.Thr794=)

Gene: PXDNL (peroxidasin like; minus strand). Cytogenetic location: 8q11.22.
Variant type: single nucleotide variant.
Coding change: c.2382C>T on transcript NM_144651.5 (MANE Select); coding-DNA position 2382, C replaced by T.
Protein change: p.Thr794=; no amino-acid change (threonine 794 retained).
Molecular consequence: synonymous variant.
Genome position (GRCh38, 1-based): chr8:51,409,242, G>A on the plus strand (C>T on the coding strand, the complement: PXDNL is on the minus strand). VCF-style: chr8-51409242-G-A. GRCh37 (hg19) VCF-style: chr8-52321802-G-A.
Identifiers: ClinVar variation 3033580 (VCV003033580.2), dbSNP rs369170887, ClinGen allele CA4745047.

ClinVar aggregate classification (germline): Likely benign (0 of 4 stars; one submission).

Conditions:
PXDNL-related disorder. Also called: PXDNL-related condition.

Allele frequency attached by ClinVar (database versions not stated): gnomAD 0.00070; TOPMed 0.00073; gnomAD exomes 0.00108; ESP Exome Variant Server 0.00114; ExAC 0.00130.
gnomAD v4.1: 1,569 of 1,520,740 alleles (0.1%); highest among the groups gnomAD compares: Non-Finnish European, 0.13%; 1 homozygote.

Submission:

PreventionGenetics, part of Exact Sciences
Classification: Likely benign for PXDNL-related condition. Last evaluated: 2019-06-21. Review status: no assertion criteria provided. Collection method: clinical testing. Allele origin: germline.
Comment: This variant is classified as likely benign based on ACMG/AMP sequence variant interpretation guidelines (Richards et al. 2015 PMID: 25741868, with internal and published modifications).